The following is an entry in ClinVar:

NM_001035.3(RYR2):c.7107T>G (p.Ser2369Arg)

Gene: RYR2 (ryanodine receptor 2; plus strand). Cytogenetic location: 1q43.
Variant type: single nucleotide variant.
Coding change: c.7107T>G on transcript NM_001035.3 (MANE Select); coding-DNA position 7107, T replaced by G.
Protein change: p.Ser2369Arg; replaces serine 2369 with arginine.
Molecular consequence: missense variant.
Genome position (GRCh38, 1-based): chr1:237,639,193, T>G. VCF-style: chr1-237639193-T-G. GRCh37 (hg19) VCF-style: chr1-237802493-T-G.
Other names: short protein forms S2369R.
Identifiers: ClinVar variation 3075353 (VCV003075353.1), dbSNP rs2546965379, ClinGen allele CA345396097.

ClinVar aggregate classification (germline): Uncertain significance (1 of 4 stars; one submission).

Conditions:
Catecholaminergic polymorphic ventricular tachycardia (CVPT). Also called: Catecholamine-induced polymorphic ventricular tachycardia. Identifiers: Orphanet 3286, MedGen C5574922, MONDO:0017990.

Submission:

All of Us Research Program, National Institutes of Health
Classification: Uncertain significance for Catecholaminergic polymorphic ventricular tachycardia. Last evaluated: 2024-01-11. Review status: criteria provided, single submitter. Criteria: ACMG Guidelines, 2015. Collection method: clinical testing. Allele origin: germline. Inheritance: Autosomal dominant inheritance. Observed: 1 variant allele, 1 heterozygote.
Comment: This study involves interpretation of variants in research participants for the purpose of population health screening. Participant phenotype was not available at the time of variant classification. Additional details can be found in publication PMID: 35346344, PMCID: PMC8962531